The following is an entry in ClinVar:

NM_001876.4(CPT1A):c.221_241del (p.Tyr74_Ser80del)

Gene: CPT1A (carnitine palmitoyltransferase 1A; minus strand). Cytogenetic location: 11q13.3.
Variant type: Deletion.
Coding change: c.221_241del on transcript NM_001876.4 (MANE Select); coding-DNA positions 221 to 241, 21 bases deleted (ACGCCAAGATCGACCCCTCGT).
Protein change: p.Tyr74_Ser80del.
Molecular consequence: inframe deletion.
Genome position (GRCh38, 1-based): chr11:68,812,477-68,812,497, ACGAGGGGTCGATCTTGGCGT deleted on the plus strand (ACGCCAAGATCGACCCCTCGT on the coding strand, the reverse complement: CPT1A is on the minus strand); deleting any 21 consecutive bases within chr11:68,812,477-68,812,499 gives the same sequence; the c. name uses the placement nearest the transcript's 3' end. VCF-style (leftmost placement, unchanged base first): chr11-68812476-AACGAGGGGTCGATCTTGGCGT-A. GRCh37 (hg19) VCF-style: chr11-68579944-AACGAGGGGTCGATCTTGGCGT-A.
Other names: c.221_241del, p.Tyr74_Ser80del (NM_001031847.3).
Identifiers: ClinVar variation 1010287 (VCV001010287.8), dbSNP rs1856241184, ClinGen allele CA2497319869.

ClinVar aggregate classification (germline): Uncertain significance (1 of 4 stars; one submission).

Conditions:
Carnitine palmitoyl transferase 1A deficiency. Also called: Carnitine palmitoyltransferase 1A deficiency; Carnitine palmitoyltransferase type I deficiency; CPT I DEFICIENCY; CPT DEFICIENCY, HEPATIC, TYPE I; CPT deficiency, hepatic, type IA. Identifiers: Orphanet 156, MedGen C1829703, MONDO:0009705, OMIM 255120.

Submission:

Labcorp Genetics (formerly Invitae), Labcorp
Classification: Uncertain significance for Carnitine palmitoyl transferase 1A deficiency. Last evaluated: 2022-01-05. Review status: criteria provided, single submitter. Criteria: Invitae Variant Classification Sherloc (09022015). Collection method: clinical testing. Allele origin: germline.
Comment: In summary, the available evidence is currently insufficient to determine the role of this variant in disease. Therefore, it has been classified as a Variant of Uncertain Significance. This variant, c.221_241del, results in the deletion of 7 amino acid(s) of the CPT1A protein (p.Tyr74_Ser80del), but otherwise preserves the integrity of the reading frame. This variant is not present in population databases (gnomAD no frequency). This variant has not been reported in the literature in individuals affected with CPT1A-related conditions. ClinVar contains an entry for this variant (Variation ID: 1010287). Experimental studies and prediction algorithms are not available or were not evaluated, and the functional significance of this variant is currently unknown.